The following is an entry in ClinVar:

NM_001453.3(FOXC1):c.1253G>T (p.Gly418Val)

Gene: FOXC1 (forkhead box C1; plus strand). Cytogenetic location: 6p25.3.
Variant type: single nucleotide variant.
Coding change: c.1253G>T on transcript NM_001453.3 (MANE Select); coding-DNA position 1253, G replaced by T.
Protein change: p.Gly418Val; replaces glycine 418 with valine.
Molecular consequence: missense variant.
Genome position (GRCh38, 1-based): chr6:1,611,698, G>T. VCF-style: chr6-1611698-G-T. GRCh37 (hg19) VCF-style: chr6-1611933-G-T.
Other names: c.1253G>T (NM_001453.2); short protein forms G418V.
Identifiers: ClinVar variation 1358814 (VCV001358814.8), dbSNP rs1056318557, ClinGen allele CA362560538.

ClinVar aggregate classification (germline): Conflicting classifications of pathogenicity. Review status: criteria provided, conflicting classifications (1 of 4 stars). 3 submissions from 3 submitters: Uncertain significance (2); Likely benign (1). Last evaluated 2025-10-16.

Conditions:
Anterior segment dysgenesis 3 (ASGD3). Also called: IRIDOGONIODYSGENESIS ANOMALY, AUTOSOMAL DOMINANT; Glaucoma iridogoniodysplasia, familial. Identifiers: Orphanet 91483, MedGen C5975707, MONDO:0024456, OMIM 601631.
Axenfeld-Rieger syndrome type 3 (RIEG3). Also called: AXENFELD-RIEGER ANOMALY WITH CARDIAC DEFECTS AND/OR SENSORINEURAL HEARING LOSS. Identifiers: Orphanet 782, MedGen C2678503, MONDO:0011233, OMIM 602482.
FOXC1-related disorder. Also called: FOXC1-related condition.

gnomAD v4.1: 9 of 1,431,870 alleles (0.00063%); highest among the groups gnomAD compares: Admixed American, 0.023%; no homozygotes.

Submissions (3):

PreventionGenetics, part of Exact Sciences
Classification: Likely benign for FOXC1-related condition. Last evaluated: 2025-10-16. Review status: criteria provided, single submitter. Criteria: ACMG Guidelines, 2015. Collection method: clinical testing. Allele origin: germline.
Comment: This variant is classified as likely benign based on ACMG/AMP sequence variant interpretation guidelines (Richards et al. 2015 PMID: 25741868, with internal and published modifications).

Labcorp Genetics (formerly Invitae), Labcorp
Classification: Uncertain significance for Axenfeld-Rieger syndrome type 3. Last evaluated: 2024-08-30. Review status: criteria provided, single submitter. Criteria: Invitae Variant Classification Sherloc (09022015). Collection method: clinical testing. Allele origin: germline.
Comment: This sequence change replaces glycine, which is neutral and non-polar, with valine, which is neutral and non-polar, at codon 418 of the FOXC1 protein (p.Gly418Val). This variant is present in population databases (no rsID available, gnomAD 0.07%), and has an allele count higher than expected for a pathogenic variant. This variant has not been reported in the literature in individuals affected with FOXC1-related conditions. ClinVar contains an entry for this variant (Variation ID: 1358814). An algorithm developed to predict the effect of missense changes on protein structure and function (PolyPhen-2) suggests that this variant is likely to be disruptive. In summary, the available evidence is currently insufficient to determine the role of this variant in disease. Therefore, it has been classified as a Variant of Uncertain Significance.

Fulgent Genetics
Classification: Uncertain significance for Anterior segment dysgenesis 3; Axenfeld-Rieger syndrome type 3. Last evaluated: 2022-04-22. Review status: criteria provided, single submitter. Criteria: ACMG Guidelines, 2015. Collection method: clinical testing. Allele origin: unknown.